The following is an entry in ClinVar:

NM_001375524.1(TRRAP):c.822G>T (p.Lys274Asn)

Gene: TRRAP (transformation/transcription domain associated protein; plus strand). Cytogenetic location: 7q22.1.
Variant type: single nucleotide variant.
Coding change: c.822G>T on transcript NM_001375524.1 (MANE Select); coding-DNA position 822, G replaced by T.
Protein change: p.Lys274Asn; replaces lysine 274 with asparagine.
Molecular consequence: missense variant.
Genome position (GRCh38, 1-based): chr7:98,900,645, G>T. VCF-style: chr7-98900645-G-T. GRCh37 (hg19) VCF-style: chr7-98498268-G-T.
Other names: c.822G>T, p.Lys274Asn (NM_001244580.2, NM_003496.4); short protein forms K274N.
Identifiers: ClinVar variation 1315008 (VCV001315008.2), dbSNP rs2116350676, ClinGen allele CA368280726.
Genomic context (GRCh38, chr7:98,900,645, plus strand): 5'-ATAATTGAGAGGTAATATTTTTGTTCTCTTCTTATTCAGGCAACATAAGCTTTACAACAA[G>T]GAGTTGTATGCTGACTTCATTGCTGCTCAGATTAAAACATTGTCATTTTTAGCTTACATT-3'
Protein context (NP_001362453.1, residues 264-284): AQARQHKLYN[Lys274Asn]ELYADFIAAQ

ClinVar aggregate classification (germline): Uncertain significance (1 of 4 stars; one submission).

Submission:

GeneDx
Classification: Uncertain significance. Last evaluated: 2020-03-04. Review status: criteria provided, single submitter. Criteria: GeneDx Variant Classification Process June 2021. Collection method: clinical testing. Allele origin: germline. Affected: yes.
Comment: Not observed in large population cohorts (Lek et al., 2016); In silico analysis supports that this missense variant has a deleterious effect on protein structure/function; Has not been previously published as pathogenic or benign to our knowledge